The following is an entry in ClinVar:

ClinVar aggregate classification (germline): Uncertain significance (1 of 4 stars; one submission).

Submission:

Labcorp Genetics (formerly Invitae), Labcorp
Classification: Uncertain significance. Last evaluated: 2022-07-23. Review status: criteria provided, single submitter. Criteria: Invitae Variant Classification Sherloc (09022015). Collection method: clinical testing. Allele origin: germline.
Comment: In summary, the available evidence is currently insufficient to determine the role of this variant in disease. Therefore, it has been classified as a Variant of Uncertain Significance. This variant is not present in population databases (gnomAD no frequency). This variant has not been reported in the literature in individuals affected with MAPKAPK3-related conditions. This variant, c.36_41del, results in the deletion of 2 amino acid(s) of the MAPKAPK3 protein (p.Val13_Pro14del), but otherwise preserves the integrity of the reading frame. Experimental studies and prediction algorithms are not available or were not evaluated, and the functional significance of this variant is currently unknown.

NM_001243925.2(MAPKAPK3):c.36_41del (p.Val13_Pro14del)

Gene: MAPKAPK3 (MAPK activated protein kinase 3; plus strand). Cytogenetic location: 3p21.2.
Variant type: Deletion.
Coding change: c.36_41del on transcript NM_001243925.2 (MANE Select); coding-DNA positions 36 to 41, 6 bases deleted (TGTGCC; older notation c.36_41delTGTGCC).
Protein change: p.Val13_Pro14del.
Molecular consequence: inframe deletion.
Genome position (GRCh38, 1-based): chr3:50,617,601-50,617,606, TGTGCC deleted; deleting any 6 consecutive bases within chr3:50,617,599-50,617,606 gives the same sequence; the c. name uses the placement nearest the transcript's 3' end. VCF-style (leftmost placement, unchanged base first): chr3-50617598-CCCTGTG-C. GRCh37 (hg19) VCF-style: chr3-50655029-CCCTGTG-C.
Other names: c.36_41del, p.Val13_Pro14del (NM_001243926.2, NM_004635.5).
Identifiers: ClinVar variation 1936650 (VCV001936650.5), dbSNP rs2032502044, ClinGen allele CA1364036220.